The following is an entry in ClinVar:

ClinVar aggregate classification (germline): Conflicting classifications of pathogenicity. Review status: criteria provided, conflicting classifications (1 of 4 stars). 4 submissions from 4 submitters: Uncertain significance (3); Likely benign (1). Last evaluated 2025-11-03.

Conditions:
Hereditary breast ovarian cancer syndrome. Also called: Hereditary breast and ovarian cancer; Hereditary breast and/or ovarian cancer syndrome; BRCA1- and BRCA2-Associated Hereditary Breast and Ovarian Cancer; Hereditary breast and ovarian cancer syndrome; Hereditary breast and ovarian cancer syndrome (HBOC); Breast and ovarian cancer. Identifiers: Orphanet 145, MedGen C0677776, MeSH D061325, MONDO:0003582. Disease mechanism: loss of function.
BRCA2-related cancer predisposition. Identifiers: MedGen CN377758, MONDO:0700269.
Hereditary cancer-predisposing syndrome. Also called: Tumor predisposition; Hereditary Cancer Syndrome; Hereditary neoplastic syndrome; Neoplastic Syndromes, Hereditary. Identifiers: Orphanet 140162, MedGen C0027672, MeSH D009386, MONDO:0015356.

Submissions (4):

Labcorp Genetics (formerly Invitae), Labcorp
Classification: Uncertain significance for Hereditary breast ovarian cancer syndrome. Last evaluated: 2025-11-03. Review status: criteria provided, single submitter. Criteria: Invitae Variant Classification Sherloc (09022015). Collection method: clinical testing. Allele origin: germline.
Comment: This sequence change replaces lysine, which is basic and polar, with methionine, which is neutral and non-polar, at codon 1967 of the BRCA2 protein (p.Lys1967Met). This variant is not present in population databases (gnomAD no frequency). This variant has not been reported in the literature in individuals affected with BRCA2-related conditions. ClinVar contains an entry for this variant (Variation ID: 409590). Invitae Evidence Modeling of protein sequence and biophysical properties (such as structural, functional, and spatial information, amino acid conservation, physicochemical variation, residue mobility, and thermodynamic stability) indicates that this missense variant is not expected to disrupt BRCA2 protein function with a negative predictive value of 95%. In summary, the available evidence is currently insufficient to determine the role of this variant in disease. Therefore, it has been classified as a Variant of Uncertain Significance.

All of Us Research Program, National Institutes of Health
Classification: Uncertain significance for BRCA2-related cancer predisposition. Last evaluated: 2024-03-24. Review status: criteria provided, single submitter. Criteria: ACMG Guidelines, 2015. Collection method: clinical testing. Allele origin: germline. Inheritance: Autosomal dominant inheritance. Observed: 1 variant allele, 1 heterozygote.
Comment: This missense variant replaces lysine with methionine at codon 1967 of the BRCA2 protein. Computational prediction suggests that this variant may not impact protein structure and function. To our knowledge, functional studies have not been reported for this variant. This variant has not been reported in individuals affected with BRCA2-related cancer in the literature, but has been reported in an unaffected individual (PMID: 30287823, 31214711, 32980694). This variant has not been identified in the general population by the Genome Aggregation Database (gnomAD). The available evidence is insufficient to determine the role of this variant in disease conclusively. Therefore, this variant is classified as a Variant of Uncertain Significance.

This study involves interpretation of variants in research participants for the purpose of population health screening. Participant phenotype was not available at the time of variant classification. Additional details can be found in publication PMID: 35346344, PMCID: PMC8962531

University of Washington Department of Laboratory Medicine, University of Washington
Classification: Likely benign for Hereditary cancer-predisposing syndrome. Last evaluated: 2023-03-23. Review status: criteria provided, single submitter. Criteria: Dines et al. (Genet Med. 2020). Collection method: curation. Allele origin: germline.
Comment: Missense variant in a coldspot region where missense variants are very unlikely to be pathogenic (PMID:31911673).

BRCA2 exon 11 coldspot. Reclassification based on statistical prior probability.

Ambry Genetics
Classification: Uncertain significance for Hereditary cancer-predisposing syndrome. Last evaluated: 2022-10-14. Review status: criteria provided, single submitter. Criteria: Ambry Variant Classification Scheme 2023. Collection method: clinical testing. Allele origin: germline.
Comment: The p.K1967M variant (also known as c.5900A>T), located in coding exon 10 of the BRCA2 gene, results from an A to T substitution at nucleotide position 5900. The lysine at codon 1967 is replaced by methionine, an amino acid with similar properties. This alteration has not been reported in 53 unselected male breast cancer patients and was observed with an allele frequency of 0.00008 in 12,490 male controls of Japanese ancestry (Momozawa Y et al. Nat Commun. 2018 10;9:4083). Additionally, this alteration has not been reported in 7636 unselected prostate cancer patients and was observed with an allele frequency of 0.00008 in 12366 male controls of Japanese ancestry (Momozawa Y et al. J Natl Cancer Inst, 2020 04;112:369-376). This amino acid position is not well conserved in available vertebrate species. In addition, this alteration is predicted to be tolerated by in silico analysis. Since supporting evidence is limited at this time, the clinical significance of this alteration remains unclear.

Literature cited by the submitters: PubMed 30287823 (cited by All of Us Research Program, National Institutes of Health and Ambry Genetics); PubMed 31214711 (cited by All of Us Research Program, National Institutes of Health and Ambry Genetics); PubMed 32980694 (cited by All of Us Research Program, National Institutes of Health).

NM_000059.4(BRCA2):c.5900A>T (p.Lys1967Met)

Gene: BRCA2 (BRCA2 DNA repair associated; plus strand). Cytogenetic location: 13q13.1.
Variant type: single nucleotide variant.
Coding change: c.5900A>T on transcript NM_000059.4 (MANE Select); coding-DNA position 5900, A replaced by T.
Protein change: p.Lys1967Met; replaces lysine 1967 with methionine.
Molecular consequence: missense variant.
Genome position (GRCh38, 1-based): chr13:32,340,255, A>T. VCF-style: chr13-32340255-A-T. GRCh37 (hg19) VCF-style: chr13-32914392-A-T.
Other names: short protein forms K1967M.
Identifiers: ClinVar variation 409590 (VCV000409590.13), dbSNP rs959089047, ClinGen allele CA16613988.